The following is an entry in ClinVar:

NM_001009944.3(PKD1):c.5280G>A (p.Trp1760Ter)

Gene: PKD1 (polycystin 1, transient receptor potential channel interacting; minus strand). Cytogenetic location: 16p13.3.
Variant type: single nucleotide variant.
Coding change: c.5280G>A on transcript NM_001009944.3 (MANE Select); coding-DNA position 5280, G replaced by A.
Protein change: p.Trp1760Ter; replaces tryptophan 1760 with a stop codon.
Molecular consequence: nonsense.
Genome position (GRCh38, 1-based): chr16:2,109,887, C>T on the plus strand (G>A on the coding strand, the complement: PKD1 is on the minus strand). VCF-style: chr16-2109887-C-T. GRCh37 (hg19) VCF-style: chr16-2159888-C-T.
Other names: c.5280G>A, p.Trp1760Ter (NM_000296.4); short protein forms W1760*.
Identifiers: ClinVar variation 4526109 (VCV004526109.1).
Genomic context (GRCh38, chr16:2,109,887, plus strand): 5'-GGTGACCAAGTGCAGGCCGGGTGTGGGGAAGCTATGGGTGGTAAATGGCTCGGAGGTCTC[C>T]CAGCTCAGCCCCTCCTCCAAGGACCAAGTGTATACGACACCACTGCCACCAGCCAGCTCG-3'

ClinVar aggregate classification (germline): Pathogenic (1 of 4 stars; one submission).

Conditions:
Polycystic kidney disease, adult type (PKD1). Also called: Polycystic Kidney, Autosomal Dominant; POLYCYSTIC KIDNEY DISEASE, ADULT, TYPE I; Polycystic Kidney Disease 1, Autosomal Dominant; Polycystic kidney disease 1; Polycystic kidney disease 1, severe; POLYCYSTIC KIDNEY DISEASE 1 WITH OR WITHOUT POLYCYSTIC LIVER DISEASE. Identifiers: MedGen C3149841, MONDO:0008263, OMIM 173900.

Submission:

Women's Health and Genetics/Laboratory Corporation of America, LabCorp
Classification: Pathogenic for Polycystic kidney disease, adult type. Last evaluated: 2025-07-07. Review status: criteria provided, single submitter. Criteria: LabCorp Variant Classification Summary - May 2015. Collection method: clinical testing. Allele origin: germline.
Comment: Variant summary: PKD1 c.5280G>A (p.Trp1760X) results in a premature termination codon, predicted to cause a truncation of the encoded protein or absence of the protein due to nonsense mediated decay, which are commonly known mechanisms for disease. The variant was absent in 248816 control chromosomes. c.5280G>A has been observed in at least one affected individual in a Polycystic Kidney Disease cohort (Carrera_2016). To our knowledge, no experimental evidence demonstrating an impact on protein function has been reported. The following publication has been ascertained in the context of this evaluation (PMID: 27499327). No submitters have cited clinical-significance assessments for this variant to ClinVar. Based on the evidence outlined above, the variant was classified as pathogenic.

Literature cited by the submitters: PubMed 27499327.